The following is an entry in ClinVar:

ClinVar aggregate classification (germline): Likely benign (1 of 4 stars; one submission).

Conditions:
Hypertrophic cardiomyopathy. Also called: HYPERTROPHIC MYOCARDIOPATHY. Identifiers: Orphanet 217569, MedGen C0007194, MeSH D002312, MONDO:0005045, HP:0001639.

gnomAD v4.1: 1 of 1,613,276 alleles (0.000062%); highest among the groups gnomAD compares: Non-Finnish European, 0.000085%; no homozygotes.

Submission:

All of Us Research Program, National Institutes of Health
Classification: Likely benign for Hypertrophic cardiomyopathy. Last evaluated: 2024-07-29. Review status: criteria provided, single submitter. Criteria: ACMG Guidelines, 2015. Collection method: clinical testing. Allele origin: germline. Inheritance: Autosomal dominant inheritance. Observed: 1 variant allele, 1 heterozygote.
Comment: This study involves interpretation of variants in research participants for the purpose of population health screening. Participant phenotype was not available at the time of variant classification. Additional details can be found in publication PMID: 35346344, PMCID: PMC8962531

NM_000256.3(MYBPC3):c.2172G>A (p.Arg724=)

Gene: MYBPC3 (myosin binding protein C3; minus strand). Cytogenetic location: 11p11.2.
Variant type: single nucleotide variant.
Coding change: c.2172G>A on transcript NM_000256.3 (MANE Select); coding-DNA position 2172, G replaced by A.
Protein change: p.Arg724=; no amino-acid change (arginine 724 retained).
Molecular consequence: synonymous variant.
Genome position (GRCh38, 1-based): chr11:47,338,656, C>T on the plus strand (G>A on the coding strand, the complement: MYBPC3 is on the minus strand). VCF-style: chr11-47338656-C-T. GRCh37 (hg19) VCF-style: chr11-47360207-C-T.
Identifiers: ClinVar variation 3387121 (VCV003387121.1).
Genomic context (GRCh38, chr11:47,338,656, plus strand): 5'-TTCCTTCTCTGCCCCCTCGACCGTGAAGATGCTGCGGTCCTTGGTGGTCTCCACGCGGAC[C>T]CGGCCCTCGGTCTCACACAGCAGCTGGGGGGGTGCAGAGTTGGGGTGAGATCCAAGTCAG-3'
Protein context (NP_000247.2, residues 714-734): DKKLLCETEG[Arg724=]VRVETTKDRS